The following is an entry in ClinVar:

ClinVar aggregate classification (germline): Conflicting classifications of pathogenicity. Review status: criteria provided, conflicting classifications (1 of 4 stars). 2 submissions from 2 submitters: Pathogenic (1); Uncertain significance (1). Last evaluated 2025-09-04.

Conditions:
Hyper-IgM syndrome type 5 (HIGM5). Also called: Hyper-IgM Immunodeficiency Syndrome, Type 5. Identifiers: Orphanet 101092, MedGen C1720958, MONDO:0011971, OMIM 608106.

gnomAD v4.1: 1 of 1,613,590 alleles (0.000062%); highest among the groups gnomAD compares: Non-Finnish European, 0.000085%; no homozygotes.

Submissions (2):

Labcorp Genetics (formerly Invitae), Labcorp
Classification: Pathogenic for Hyper-IgM syndrome type 5. Last evaluated: 2025-09-04. Review status: criteria provided, single submitter. Criteria: Invitae Variant Classification Sherloc (09022015). Collection method: clinical testing. Allele origin: germline.
Comment: This sequence change creates a premature translational stop signal (p.Glu105*) in the UNG gene. It is expected to result in an absent or disrupted protein product. Loss-of-function variants in UNG are known to be pathogenic (PMID: 12958596). This variant is not present in population databases (gnomAD no frequency). This variant has not been reported in the literature in individuals affected with UNG-related conditions. ClinVar contains an entry for this variant (Variation ID: 3363490). For these reasons, this variant has been classified as Pathogenic.

GeneDx
Classification: Uncertain significance. Last evaluated: 2023-10-25. Review status: criteria provided, single submitter. Criteria: GeneDx Variant Classification Process June 2021. Collection method: clinical testing. Allele origin: germline. Affected: yes.
Comment: Not observed at significant frequency in large population cohorts (gnomAD); Nonsense variant predicted to result in protein truncation or nonsense mediated decay in a gene or region of a gene for which loss of function is not a well-established mechanism of disease; Has not been previously published as pathogenic or benign to our knowledge

Literature cited by the submitters: PubMed 12958596 (cited by Labcorp Genetics (formerly Invitae), Labcorp).

NM_080911.3(UNG):c.313G>T (p.Glu105Ter)

Gene: UNG (uracil DNA glycosylase; plus strand). Cytogenetic location: 12q24.11.
Variant type: single nucleotide variant.
Coding change: c.313G>T on transcript NM_080911.3 (MANE Select); coding-DNA position 313, G replaced by T.
Protein change: p.Glu105Ter; replaces glutamic acid 105 with a stop codon.
Molecular consequence: nonsense.
Genome position (GRCh38, 1-based): chr12:109,098,612, G>T. VCF-style: chr12-109098612-G-T. GRCh37 (hg19) VCF-style: chr12-109536417-G-T.
Other names: c.286G>T, p.Glu96Ter (NM_003362.4); short protein forms E105*, E96*.
Identifiers: ClinVar variation 3363490 (VCV003363490.3).